The following is an entry in ClinVar:

NM_032380.5(GFM2):c.2210T>C (p.Met737Thr)

Gene: GFM2 (GTP dependent ribosome recycling factor mitochondrial 2; minus strand). Cytogenetic location: 5q13.3.
Variant type: single nucleotide variant.
Coding change: c.2210T>C on transcript NM_032380.5 (MANE Select); coding-DNA position 2210, T replaced by C.
Protein change: p.Met737Thr; replaces methionine 737 with threonine.
Molecular consequence: missense variant. On other transcripts: non-coding transcript variant (1).
Genome position (GRCh38, 1-based): chr5:74,722,380, A>G on the plus strand (T>C on the coding strand, the complement: GFM2 is on the minus strand). VCF-style: chr5-74722380-A-G. GRCh37 (hg19) VCF-style: chr5-74018205-A-G.
Other names: c.2306T>C, p.Met769Thr (NM_001281302.2); c.2069T>C, p.Met690Thr (NM_170691.3); short protein forms M690T, M769T, M737T.
Identifiers: ClinVar variation 3099458 (VCV003099458.2), dbSNP rs139397531, ClinGen allele CA3306338.

ClinVar aggregate classification (germline): Uncertain significance. Review status: criteria provided, multiple submitters, no conflicts (2 of 4 stars). 2 submissions from 2 submitters: Uncertain significance (2). Last evaluated 2025-07-08.

Conditions:
Inborn genetic diseases. Identifiers: MedGen C0950123, MeSH D030342.

Allele frequency attached by ClinVar (database versions not stated): gnomAD exomes below 0.00001; ExAC 0.00002; gnomAD 0.00002; TOPMed 0.00003; ESP Exome Variant Server 0.00008.
gnomAD v4.1: 7 of 1,612,800 alleles (0.00043%); highest among the groups gnomAD compares: African/African-American, 0.0067%; no homozygotes.

Submissions (2):

Labcorp Genetics (formerly Invitae), Labcorp
Classification: Uncertain significance. Last evaluated: 2025-07-08. Review status: criteria provided, single submitter. Criteria: Invitae Variant Classification Sherloc (09022015). Collection method: clinical testing. Allele origin: germline.
Comment: This sequence change replaces methionine, which is neutral and non-polar, with threonine, which is neutral and polar, at codon 737 of the GFM2 protein (p.Met737Thr). This variant is present in population databases (rs139397531, gnomAD 0.008%). This variant has not been reported in the literature in individuals affected with GFM2-related conditions. ClinVar contains an entry for this variant (Variation ID: 3099458). An algorithm developed to predict the effect of missense changes on protein structure and function (PolyPhen-2) suggests that this variant is likely to be disruptive. In summary, the available evidence is currently insufficient to determine the role of this variant in disease. Therefore, it has been classified as a Variant of Uncertain Significance.

Ambry Genetics
Classification: Uncertain significance for Inborn genetic diseases. Last evaluated: 2024-03-04. Review status: criteria provided, single submitter. Criteria: Ambry Variant Classification Scheme 2023. Collection method: clinical testing. Allele origin: germline.